The following is an entry in ClinVar:

NM_007294.4(BRCA1):c.5165C>A (p.Ser1722Tyr)

Gene: BRCA1 (BRCA1 DNA repair associated; minus strand). Cytogenetic location: 17q21.31.
Variant type: single nucleotide variant.
Coding change: c.5165C>A on transcript NM_007294.4 (MANE Select); coding-DNA position 5165, C replaced by A.
Protein change: p.Ser1722Tyr; replaces serine 1722 with tyrosine.
Molecular consequence: missense variant. On other transcripts: non-coding transcript variant (1).
Genome position (GRCh38, 1-based): chr17:43,063,361, G>T on the plus strand (C>A on the coding strand, the complement: BRCA1 is on the minus strand). VCF-style: chr17-43063361-G-T. GRCh37 (hg19) VCF-style: chr17-41215378-G-T.
Other names: NM_007294.4(BRCA1):c.5165C>A; p.Ser1722Tyr; c.4952C>A, p.Ser1651Tyr (NM_001407571.1, NM_001407894.1, NM_001407908.1 and 12 more transcripts); c.5231C>A, p.Ser1744Tyr (NM_001407581.1, NM_001407582.1); c.5228C>A, p.Ser1743Tyr (NM_001407583.1, NM_001407585.1, NM_001407587.1 and 1 more transcripts); c.5225C>A, p.Ser1742Tyr (NM_001407590.1, NM_001407591.1); c.5165C>A, p.Ser1722Tyr (NM_001407593.1, NM_001407594.1, NM_001407596.1 and 7 more transcripts); c.5162C>A, p.Ser1721Tyr (NM_001407615.1, NM_001407616.1, NM_001407617.1 and 17 more transcripts); and 74 more; short protein forms S1722Y, S1675Y, S1743Y, S618Y, S1425Y, S1632Y, S1652Y, S1678Y.
Identifiers: ClinVar variation 491098 (VCV000491098.32), dbSNP rs80357104, ClinGen allele CA10591215.

ClinVar aggregate classification (germline): Uncertain significance. Review status: reviewed by expert panel (3 of 4 stars). 8 submissions from 8 submitters: Uncertain significance (1). 7 of the submissions do not count toward it. Last evaluated 2025-12-02.

Conditions:
Hereditary cancer-predisposing syndrome. Also called: Tumor predisposition; Hereditary Cancer Syndrome; Hereditary neoplastic syndrome; Neoplastic Syndromes, Hereditary. Identifiers: Orphanet 140162, MedGen C0027672, MeSH D009386, MONDO:0015356.
Hereditary breast ovarian cancer syndrome. Also called: Breast and ovarian cancer; Hereditary breast and/or ovarian cancer syndrome; BRCA1- and BRCA2-Associated Hereditary Breast and Ovarian Cancer; Hereditary breast and ovarian cancer syndrome; Hereditary breast and ovarian cancer syndrome (HBOC); Hereditary breast and ovarian cancer. Identifiers: Orphanet 145, MedGen C0677776, MeSH D061325, MONDO:0003582. Disease mechanism: loss of function.
Breast-ovarian cancer, familial, susceptibility to, 1 (BROVCA1). Also called: BRCA1 Hereditary Breast and Ovarian Cancer; OVARIAN CANCER, SUSCEPTIBILITY TO. Identifiers: Orphanet 145, MedGen C2676676, MONDO:0011450, OMIM 604370. Disease mechanism: loss of function.
BRCA1-related cancer predisposition. Identifiers: MedGen CN377757, MONDO:0700268.

Submissions 1 to 5 of 9:

ClinGen ENIGMA BRCA1 and BRCA2 Variant Curation Expert Panel, ClinGen
Classification: Uncertain significance for BRCA1-related cancer predisposition. Last evaluated: 2025-12-02. Review status: reviewed by expert panel. Criteria: CSpec BRCA12ACMG Rules Specifications V1.1. Collection method: curation. Allele origin: germline. Inheritance: Autosomal dominant inheritance.
Comment: The c.5165C>A variant in BRCA1 is a missense variant predicted to cause substitution of Serine by Tyrosine at amino acid 1722 (p.(Ser1722Tyr)). This variant is absent from gnomAD v2.1 (exomes only, non-cancer subset, read depth ≥25) and gnomAD v3.1 (non-cancer subset, read depth ≥25) (PM2_Supporting met). Reported by two calibrated studies to exhibit a partial impact on protein function, between what was observed for benign and pathogenic control variants (PMIDs:30209399, 30257991) (PS3 and BS3 not met). This BRCA1 missense variant is within a key functional domain and the computational predictor BayesDel (noAF) gives a score of 0.43, above the recommended threshold of 0.28 for prediction of impact on BRCA1 function via protein change. A SpliceAI score of 0.02 predicts no impact on splicing (score threshold <0.10) (PP3 met). Multifactorial likelihood ratio analysis using clinically calibrated data produced a combined LR for this variant of 6.04 (based on Cosegregation LR=37.75; Pathology LR=0.16), within the thresholds for moderate evidence towards pathogenicity (LR >4.3 & ≤18.7) (PP4_Moderate met; Internal lab contributors). In summary, this variant meets the criteria to be classified as a Variant of uncertain significance for BRCA1-related cancer predisposition based on the ACMG/AMP criteria applied as specified by the ENIGMA BRCA1/2 VCEP (PM2_Supporting, PP3, PP4_Moderate).

German Consortium for Hereditary Breast and Ovarian Cancer, University Hospital Cologne
Classification: Uncertain significance for Hereditary breast ovarian cancer syndrome. Last evaluated: 2026-04-14. Review status: criteria provided, single submitter. Criteria: ClinGen BRCA1 1.2.0. Collection method: curation. Allele origin: germline. Not counted in ClinVar's aggregate classification.
Comment: This classification follows the ClinGen ENIGMA BRCA1 v1.2.0 classification scheme; We chose these criteria: PM2 (supporting pathogenic): absent from gnomAD v2/3/4, PP3 (supporting pathogenic): Missense variant inside a (potentially) clinically important functional domain & BayesDel (no AF) = 0.424943 (thus > 0.28), PP4 (medium pathogenic): ClinGen ENIGMA BRCA1 and BRCA2 Variant Curation Expert Panel, ClinGen Accession: SCV007109502.1: Multifactorial likelihood ratio analysis using clinically calibrated data produced a combined LR for this variant of 6.04 (based on Cosegregation LR=37.75; Pathology LR=0.16), within the thresholds for moderate evidence towards pathogenicity (LR >4.3 & ≤18.7) (PP4_Moderate met; Internal lab contributors).

Ambry Genetics
Classification: Likely pathogenic for Hereditary cancer-predisposing syndrome. Last evaluated: 2025-04-03. Review status: criteria provided, single submitter. Criteria: Ambry Variant Classification Scheme 2023. Collection method: clinical testing. Allele origin: germline. Not counted in ClinVar's aggregate classification.
Comment: The p.S1722Y variant (also known as c.5165C>A), located in coding exon 17 of the BRCA1 gene, results from a C to A substitution at nucleotide position 5165. The serine at codon 1722 is replaced by tyrosine, an amino acid with dissimilar properties. This variant was reported in 1/60,466 breast cancer cases and in 0/53,461 controls (Dorling et al. N Engl J Med 2021 02;384:428-439). One functional study found that this nucleotide substitution is predicted to have a intermediate impact on function in a high throughput, genome editing, haploid cell survival assay (Findlay GM et al. Nature, 2018 10;562:217-222). In a different functional study, this variant had wildtype homologous repair activity, but also had poorly solubility due to aggregation in E coli thus was not ascertained for stability (Petitalot A et al. Mol. Cancer Res., 2019 01;17:54-69). A close match alteration, BRCA2 p.S1722F, is considered a pathogenic mutation with a severe impact on protein stability, also had intermediate activity in the high throughput, genome editing, haploid cell survival assay (Findlay GM et al. Nature, 2018 10;562:217-222). Based on internal structural analysis, this variant is more disruptive than known pathogenic variants, including BRCA2 p.S1722F (Wu Q et al. Mol. Cell, 2016 Feb;61:434-448). In addition, this variant segregated with breast and ovarian cancer in one family tested at this laboratory (Ambry internal data). This variant is considered to be rare based on population cohorts in the Genome Aggregation Database (gnomAD). This amino acid position is highly conserved in available vertebrate species. In addition, this alteration is predicted to be deleterious by in silico analysis. Based on the majority of available evidence to date, this variant is likely to be pathogenic.

Quest Diagnostics Nichols Institute San Juan Capistrano
Classification: Uncertain significance. Last evaluated: 2025-03-26. Review status: criteria provided, single submitter. Criteria: Quest Diagnostics criteria. Collection method: clinical testing. Allele origin: unknown. Not counted in ClinVar's aggregate classification.
Comment: The BRCA1 c.5165C>A (p.Ser1722Tyr) variant has been reported in the published literature in an individual with epithelial ovarian, tubal, or primary peritoneal cancer (PMID: 33078592 (2020)). In a large scale breast cancer association study, this variant has been observed in a breast cancer case (PMID: 33471991 (2021), see also LOVD). Functional analyses of this variant were inconclusive, with studies indicating near-normal activity but with incomplete characterization (PMID: 30257991 (2018)), and another indicating partial disruption of BRCA1 protein function (PMID: 30209399 (2018)). This variant has not been reported in large, multi-ethnic general populations (Genome Aggregation Database). Analysis of this variant using bioinformatics tools for the prediction of the effect of amino acid changes on protein structure and function yielded conflicting predictions that this variant is deleterious or benign. Based on the available information, we are unable to determine the clinical significance of this variant.

All of Us Research Program, National Institutes of Health
Classification: Uncertain significance for BRCA1-related cancer predisposition. Last evaluated: 2024-07-20. Review status: criteria provided, single submitter. Criteria: ACMG Guidelines, 2015. Collection method: clinical testing. Allele origin: germline. Inheritance: Autosomal dominant inheritance. Observed: 1 variant allele, 1 heterozygote. Not counted in ClinVar's aggregate classification.
Comment: This missense variant replaces serine with tyrosine at codon 1722 of the BRCA1 protein. Computational prediction suggests that this variant may have deleterious impact on protein structure and function. This variant has been reported as intermediately functional in a haploid cell proliferation assay (PMID: 30209399). Another study has reported that this variant does not impact homology-directed repair, but the bacterially expressed protein were also found to be insoluble (PMID: 30257991). Overall, the functional findings are inconclusive. This variant has been detected in two individuals affected with ovarian cancer (PMID: 33078592; Color internal data) and in a breast cancer case-control meta-analysis in 1/60466 cases and 0/53461 unaffected individuals (PMID: 33471991; Leiden Open Variation Database DB-ID BRCA1_000691). A multifactoral analysis has reported likelihood ratios for pathogenicity based on segregation and tumor pathology of 4.8424 and 0.16, respectively (PMID: 31131967). A similar mutation, p.Ser1722Phe, has been reported as (likely) disease-causing in ClinVar (variation ID: 55441). This variant has not been identified in the general population by the Genome Aggregation Database (gnomAD). The available evidence is insufficient to determine the role of this variant in disease conclusively. Therefore, this variant is classified as a Variant of Uncertain Significance.

This study involves interpretation of variants in research participants for the purpose of population health screening. Participant phenotype was not available at the time of variant classification. Additional details can be found in publication PMID: 35346344, PMCID: PMC8962531